The following is an entry in ClinVar:

ClinVar aggregate classification (germline): Pathogenic (1 of 4 stars; one submission).

Submission:

Labcorp Genetics (formerly Invitae), Labcorp
Classification: Pathogenic. Last evaluated: 2019-05-27. Review status: criteria provided, single submitter. Criteria: Invitae Variant Classification Sherloc (09022015). Collection method: clinical testing. Allele origin: germline.
Comment: This sequence change creates a premature translational stop signal (p.Val668Glyfs*91) in the USH2A gene. It is expected to result in an absent or disrupted protein product. This variant is not present in population databases (ExAC no frequency). This variant has not been reported in the literature in individuals with USH2A-related conditions. Loss-of-function variants in USH2A are known to be pathogenic (PMID: 10729113, 10909849, 20507924, 25649381). For these reasons, this variant has been classified as Pathogenic.

Literature cited by the submitters: PubMed 10729113; PubMed 10909849; PubMed 20507924; PubMed 25649381.

NM_206933.4(USH2A):c.1995_2002dup (p.Val668fs)

Gene: USH2A (usherin; minus strand). Cytogenetic location: 1q41.
Variant type: Duplication.
Coding change: c.1995_2002dup on transcript NM_206933.4 (MANE Select); coding-DNA positions 1995 to 2002, 8 bases duplicated (GAGACACG; older notation c.1995_2002dupGAGACACG).
Protein change: p.Val668fs; shifts the reading frame from valine 668.
Molecular consequence: frameshift variant.
Genome position (GRCh38, 1-based): chr1:216,251,068-216,251,075, CGTGTCTC duplicated on the plus strand (GAGACACG on the coding strand, the reverse complement: USH2A is on the minus strand). VCF-style (leftmost placement, unchanged base first): chr1-216251067-A-ACGTGTCTC. GRCh37 (hg19) VCF-style: chr1-216424409-A-ACGTGTCTC.
Other names: c.1995_2002dup, p.Val668fs (NM_007123.6); short protein forms V668fs.
Identifiers: ClinVar variation 951350 (VCV000951350.7), dbSNP rs2036151723, ClinGen allele CA1139656583.